The following is an entry in ClinVar:

NM_000368.5(TSC1):c.1192G>T (p.Ala398Ser)

Gene: TSC1 (TSC complex subunit 1; minus strand). Cytogenetic location: 9q34.13.
Variant type: single nucleotide variant.
Coding change: c.1192G>T on transcript NM_000368.5 (MANE Select); coding-DNA position 1192, G replaced by T.
Protein change: p.Ala398Ser; replaces alanine 398 with serine.
Molecular consequence: missense variant. On other transcripts: non-coding transcript variant (5).
Genome position (GRCh38, 1-based): chr9:132,910,642, C>A on the plus strand (G>T on the coding strand, the complement: TSC1 is on the minus strand). VCF-style: chr9-132910642-C-A. GRCh37 (hg19) VCF-style: chr9-135786029-C-A.
Other names: c.1192G>T, p.Ala398Ser (NM_001406606.1, NM_001406607.1, NM_001406592.1 and 7 more transcripts); c.1189G>T, p.Ala397Ser (NM_001406608.1, NM_001406609.1, NM_001162426.2 and 6 more transcripts); c.1039G>T, p.Ala347Ser (NM_001406610.1, NM_001162427.2); c.1036G>T, p.Ala346Ser (NM_001406611.1, NM_001406612.1, NM_001406613.1); c.829G>T, p.Ala277Ser (NM_001406614.1, NM_001406615.1, NM_001362177.2 and 5 more transcripts); c.826G>T, p.Ala276Ser (NM_001406620.1, NM_001406621.1, NM_001406622.1 and 2 more transcripts); c.241G>T, p.Ala81Ser (NM_001406626.1); c.238G>T, p.Ala80Ser (NM_001406627.1, NM_001406628.1); and 1 more; short protein forms A347S, A277S, A346S, A47S, A397S, A398S, A81S, A276S.
Identifiers: ClinVar variation 3974557 (VCV003974557.1).

ClinVar aggregate classification (germline): Uncertain significance (1 of 4 stars; one submission).

Conditions:
Hereditary cancer-predisposing syndrome. Also called: Tumor predisposition; Hereditary neoplastic syndrome; Hereditary Cancer Syndrome; Neoplastic Syndromes, Hereditary. Identifiers: Orphanet 140162, MedGen C0027672, MeSH D009386, MONDO:0015356.

Submission:

Ambry Genetics
Classification: Uncertain significance for Hereditary cancer-predisposing syndrome. Last evaluated: 2025-04-12. Review status: criteria provided, single submitter. Criteria: Ambry Variant Classification Scheme 2023. Collection method: clinical testing. Allele origin: germline.
Comment: The p.A398S variant (also known as c.1192G>T), located in coding exon 10 of the TSC1 gene, results from a G to T substitution at nucleotide position 1192. The alanine at codon 398 is replaced by serine, an amino acid with similar properties. This amino acid position is conserved. In addition, this alteration is predicted to be tolerated by in silico analysis. Based on the available evidence, the clinical significance of this variant remains unclear.